The following is an entry in ClinVar:

NM_001365276.2(TNXB):c.10673G>A (p.Arg3558His)

Genes: TNXB (tenascin XB; minus strand), LOC106780803 (tenascin XB recombination region; plus strand). Cytogenetic location: 6p21.33.
Variant type: single nucleotide variant.
Coding change: c.10673G>A on transcript NM_001365276.2 (MANE Select); coding-DNA position 10673, G replaced by A.
Protein change: p.Arg3558His; replaces arginine 3558 with histidine.
Molecular consequence: missense variant. On other transcripts: 5 prime UTR variant (1).
Genome position (GRCh38, 1-based): chr6:32,045,260, C>T on the plus strand (G>A on the coding strand, the complement: TNXB is on the minus strand). VCF-style: chr6-32045260-C-T. GRCh37 (hg19) VCF-style: chr6-32013037-C-T.
Other names: p.Arg3556His; c.10667G>A, p.Arg3556His (NM_019105.8); c.-41G>A (NM_032470.4); short protein forms R3556H, R3558H.
Identifiers: ClinVar variation 1205924 (VCV001205924.11), dbSNP rs41267126, ClinGen allele CA3733177.
Genomic context (GRCh38, chr6:32,045,260, plus strand): 5'-ACGCTCCACGAGAGGCGCATGGAGTCTGGGGTTGTGTCGGTCACGGTCAGCACTCCTAGG[C>T]GGGGCTCTTCAGGAGGCTCAGGGGCCTCTGGGGCTAACTCTGGGGCTGGTGTGTCCTCTT-3'
Protein context (NP_001352205.1, residues 3548-3568): PEAPEPPEEP[Arg3558His]LGVLTVTDTT

ClinVar aggregate classification (germline): Benign/Likely benign. Review status: criteria provided, multiple submitters, no conflicts (2 of 4 stars). 7 submissions from 7 submitters: Benign (1); Likely benign (3). 3 of the submissions do not count toward it. Last evaluated 2025-02-17.

Conditions:
Cardiovascular phenotype. Identifiers: MedGen CN230736.
TNXB-related disorder. Also called: TNXB-related condition.

Allele frequency attached by ClinVar (database versions not stated): ESP Exome Variant Server 0.01249; gnomAD 0.02001 and 0.02004; ExAC 0.03837; 1000 Genomes Project 30x 0.01718; gnomAD exomes 0.02315.

Submissions (7):

Mayo Clinic Laboratories, Mayo Clinic
Classification: Likely benign. Last evaluated: 2025-02-17. Review status: criteria provided, single submitter. Criteria: ACMG Guidelines, 2015. Collection method: clinical testing. Allele origin: germline. Observed: 204 variant alleles.
Comment: BS1, BP4

Ambry Genetics
Classification: Benign for Cardiovascular phenotype. Last evaluated: 2021-04-30. Review status: criteria provided, single submitter. Criteria: Ambry Variant Classification Scheme 2023. Collection method: clinical testing. Allele origin: germline.

GeneDx
Classification: Likely benign. Last evaluated: 2018-07-09. Review status: criteria provided, single submitter. Criteria: GeneDx Variant Classification Process June 2021. Collection method: clinical testing. Allele origin: germline. Affected: yes.

Breakthrough Genomics
Classification: Likely benign. Review status: criteria provided, single submitter. Criteria: ACMG Guidelines, 2015. Collection method: not provided. Allele origin: germline. Inheritance: Autosomal recessive inheritance. Affected: yes.

PreventionGenetics, part of Exact Sciences
Classification: Benign for TNXB-related condition. Last evaluated: 2023-10-25. Review status: no assertion criteria provided. Collection method: clinical testing. Allele origin: germline. Not counted in ClinVar's aggregate classification.
Comment: This variant is classified as benign based on ACMG/AMP sequence variant interpretation guidelines (Richards et al. 2015 PMID: 25741868, with internal and published modifications).

Genome Diagnostics Laboratory, Amsterdam University Medical Center
Classification: Benign. Review status: no assertion criteria provided. Collection method: clinical testing. Allele origin: germline. Affected: yes. Study: VKGL Data-share Consensus. Not counted in ClinVar's aggregate classification.

Laboratory of Diagnostic Genome Analysis, Leiden University Medical Center (LUMC)
Classification: Likely benign. Review status: no assertion criteria provided. Collection method: clinical testing. Allele origin: germline. Affected: yes. Study: VKGL Data-share Consensus. Not counted in ClinVar's aggregate classification.